The following is an entry in ClinVar:

NM_001361.5(DHODH):c.925C>T (p.Arg309Trp)

Gene: DHODH (dihydroorotate dehydrogenase (quinone); plus strand). Cytogenetic location: 16q22.2.
Variant type: single nucleotide variant.
Coding change: c.925C>T on transcript NM_001361.5 (MANE Select); coding-DNA position 925, C replaced by T.
Protein change: p.Arg309Trp; replaces arginine 309 with tryptophan.
Molecular consequence: missense variant.
Genome position (GRCh38, 1-based): chr16:72,023,270, C>T. VCF-style: chr16-72023270-C-T. GRCh37 (hg19) VCF-style: chr16-72057169-C-T.
Other names: short protein forms R309W.
Identifiers: ClinVar variation 4795173 (VCV004795173.1).

ClinVar aggregate classification (germline): Uncertain significance (1 of 4 stars; one submission).

Conditions:
Miller syndrome (POADS). Also called: GENEE-WIEDEMANN SYNDROME; Genee-Wiedemann acrofacial dysostosis. Identifiers: Orphanet 246, MedGen C0265257, MONDO:0009903, OMIM 263750.

gnomAD v4.1: 72 of 1,614,078 alleles (0.0045%); highest among the groups gnomAD compares: East Asian, 0.013%; no homozygotes.

Submission:

Laboratorio de Biologia Molecular/Medicina Genomica - IFF/Fiocruz, Instituto Fernandes Figueira, Fundacao Oswaldo Cruz
Classification: Uncertain significance for Miller syndrome. Last evaluated: 2025-09-02. Review status: criteria provided, single submitter. Criteria: ACMG Guidelines, 2015. Collection method: clinical testing. Allele origin: germline. Affected: yes. Observed: 1 variant allele.
Comment: Variant: c.925C>T (p.Arg309Trp) identified in intron 7 of the DHODH gene. Protein effect: Missense substitution. In silico tools: Predict a deleterious impact. Population database (gnomAD): Extremely rare. Segregation/phase data: Reported in compound heterozygosity with a loss of function variant in affected individual (PMID: 27370710). ACMG/AMP criteria applied: PM2_Supporting, PP3.

Literature cited by the submitters: PubMed 27370710.